The following is an entry in ClinVar:

NM_014207.4(CD5):c.519G>T (p.Val173=)

Gene: CD5 (CD5 molecule; plus strand). Cytogenetic location: 11q12.2.
Variant type: single nucleotide variant.
Coding change: c.519G>T on transcript NM_014207.4 (MANE Select); coding-DNA position 519, G replaced by T.
Protein change: p.Val173=; no amino-acid change (valine 173 retained).
Molecular consequence: synonymous variant.
Genome position (GRCh38, 1-based): chr11:61,119,289, G>T. VCF-style: chr11-61119289-G-T. GRCh37 (hg19) VCF-style: chr11-60886761-G-T.
Other names: c.348G>T, p.Val116= (NM_001346456.2).
Identifiers: ClinVar variation 2641819 (VCV002641819.24), dbSNP rs773426771, ClinGen allele CA6030579.

ClinVar aggregate classification (germline): Likely benign (1 of 4 stars; one submission).

Allele frequency attached by ClinVar (database versions not stated): ExAC 0.00026; gnomAD 0.00003; TOPMed 0.00018.
gnomAD v4.1: 91 of 1,613,504 alleles (0.0056%); highest among the groups gnomAD compares: Admixed American, 0.092%; 1 homozygote.

Submission:

CeGaT Center for Human Genetics Tuebingen
Classification: Likely benign. Last evaluated: 2022-10-01. Review status: criteria provided, single submitter. Criteria: CeGaT Center For Human Genetics Tuebingen Variant Classification Criteria Version 2. Collection method: clinical testing. Allele origin: germline. Affected: yes. Observed: 1 variant allele.
Comment: CD5: BP4, BP7